The following is an entry in ClinVar:

NM_020859.4(SHROOM3):c.1757A>T (p.Asn586Ile)

Genes: SHROOM3 (shroom family member 3; plus strand), SHROOM3-AS1 (SHROOM3 antisense RNA 1; minus strand). Cytogenetic location: 4q21.1.
Variant type: single nucleotide variant.
Coding change: c.1757A>T on transcript NM_020859.4 (MANE Select); coding-DNA position 1757, A replaced by T.
Protein change: p.Asn586Ile; replaces asparagine 586 with isoleucine.
Molecular consequence: missense variant.
Genome position (GRCh38, 1-based): chr4:76,739,930, A>T. VCF-style: chr4-76739930-A-T. GRCh37 (hg19) VCF-style: chr4-77661083-A-T.
Other names: short protein forms N586I.
Identifiers: ClinVar variation 4874092 (VCV004874092.2).
Genomic context (GRCh38, chr4:76,739,930, plus strand): 5'-AGGAGGATGCCTCCCTGAAGAGACATCTCACACCTCCCCAAGGCAACAGCCCACATTCCA[A>T]TGAGAGAAAGAGCACCCACAGTAACAAACCATCTTCTCATCCCCACAGCCTCAAATGCCC-3'
Protein context (NP_065910.3, residues 576-596): TPPQGNSPHS[Asn586Ile]ERKSTHSNKP

ClinVar aggregate classification (germline): Likely benign (1 of 4 stars; one submission).

gnomAD v4.1: 43 of 1,614,220 alleles (0.0027%); highest among the groups gnomAD compares: South Asian, 0.047%; 1 homozygote.

Submission:

CeGaT Center for Human Genetics Tuebingen
Classification: Likely benign. Last evaluated: 2026-04-01. Review status: criteria provided, single submitter. Criteria: CeGaT Center For Human Genetics Tuebingen Variant Classification Criteria Version 2. Collection method: clinical testing. Allele origin: germline. Affected: yes. Observed: 1 variant allele.
Comment: SHROOM3: BP4